The following is an entry in ClinVar:

NM_000719.7(CACNA1C):c.4050G>A (p.Leu1350=)

Gene: CACNA1C (calcium voltage-gated channel subunit alpha1 C; plus strand). Cytogenetic location: 12p13.33.
Variant type: single nucleotide variant.
Coding change: c.4050G>A on transcript NM_000719.7 (MANE Select); coding-DNA position 4050, G replaced by A.
Protein change: p.Leu1350=; no amino-acid change (leucine 1350 retained).
Molecular consequence: synonymous variant.
Genome position (GRCh38, 1-based): chr12:2,651,744, G>A. VCF-style: chr12-2651744-G-A. GRCh37 (hg19) VCF-style: chr12-2760910-G-A.
Other names: c.4194G>A, p.Leu1398= (NM_001129827.2, NM_199460.4); c.4116G>A, p.Leu1372= (NM_001129829.2); c.4050G>A, p.Leu1350= (NM_001129830.3, NM_001129833.2, NM_001129834.2 and 7 more transcripts); c.4134G>A, p.Leu1378= (NM_001129831.2); c.4110G>A, p.Leu1370= (NM_001129832.2); c.4101G>A, p.Leu1367= (NM_001129836.2); c.4017G>A, p.Leu1339= (NM_001129837.2, NM_001129838.2, NM_001129846.2 and 1 more transcripts); c.4011G>A, p.Leu1337= (NM_001129839.2); and 1 more.
Identifiers: ClinVar variation 377608 (VCV000377608.14), dbSNP rs371640459, ClinGen allele CA6389439.

ClinVar aggregate classification (germline): Likely benign. Review status: criteria provided, multiple submitters, no conflicts (2 of 4 stars). 4 submissions from 4 submitters: Likely benign (4). Last evaluated 2024-12-10.

Conditions:
Cardiovascular phenotype. Identifiers: MedGen CN230736.
Long QT syndrome (LQTS). Identifiers: MedGen C0023976, MeSH D008133, MONDO:0002442. Disease mechanism: loss of function. Inheritance: Various modes of inheritance.

Allele frequency attached by ClinVar (database versions not stated): TOPMed 0.00001; ExAC 0.00003; gnomAD exomes 0.00003 and 0.00007; ESP Exome Variant Server 0.00008.
gnomAD v4.1: 100 of 1,612,128 alleles (0.0062%); highest among the groups gnomAD compares: Non-Finnish European, 0.008%; no homozygotes.

Submissions (4):

Labcorp Genetics (formerly Invitae), Labcorp
Classification: Likely benign for Long QT syndrome. Last evaluated: 2024-12-10. Review status: criteria provided, single submitter. Criteria: Invitae Variant Classification Sherloc (09022015). Collection method: clinical testing. Allele origin: germline.

Women's Health and Genetics/Laboratory Corporation of America, LabCorp
Classification: Likely benign. Last evaluated: 2024-03-03. Review status: criteria provided, single submitter. Criteria: LabCorp Variant Classification Summary - May 2015. Collection method: clinical testing. Allele origin: germline.

Ambry Genetics
Classification: Likely benign for Cardiovascular phenotype. Last evaluated: 2023-03-03. Review status: criteria provided, single submitter. Criteria: Ambry Variant Classification Scheme 2023. Collection method: clinical testing. Allele origin: germline.

GeneDx
Classification: Likely benign. Last evaluated: 2016-05-23. Review status: criteria provided, single submitter. Criteria: GeneDx Variant Classification (06012015). Collection method: clinical testing. Allele origin: germline. Affected: yes.
Comment: This variant is considered likely benign or benign based on one or more of the following criteria: it is a conservative change, it occurs at a poorly conserved position in the protein, it is predicted to be benign by multiple in silico algorithms, and/or has population frequency not consistent with disease.